The following is an entry in ClinVar:

ClinVar aggregate classification (germline): Benign/Likely benign. Review status: criteria provided, multiple submitters, no conflicts (2 of 4 stars). 4 submissions from 4 submitters: Benign (1); Likely benign (3). Last evaluated 2025-10-14.

Allele frequency attached by ClinVar (database versions not stated): gnomAD exomes 0.00030; ExAC 0.00045; 1000 Genomes Project 0.00080; 1000 Genomes Project 30x 0.00109; gnomAD 0.00128 and 0.00138; TOPMed 0.00145; ESP Exome Variant Server 0.00219.
gnomAD v4.1: 389 of 1,550,180 alleles (0.025%); highest among the groups gnomAD compares: African/African-American, 0.48%; no homozygotes.

Submissions (4):

Labcorp Genetics (formerly Invitae), Labcorp
Classification: Likely benign. Last evaluated: 2025-10-14. Review status: criteria provided, single submitter. Criteria: Invitae Variant Classification Sherloc (09022015). Collection method: clinical testing. Allele origin: germline.

ARUP Laboratories, Molecular Genetics and Genomics, ARUP Laboratories
Classification: Benign. Last evaluated: 2025-02-24. Review status: criteria provided, single submitter. Criteria: ARUP Molecular Germline Variant Investigation Process 2024. Collection method: clinical testing. Allele origin: germline.

Mayo Clinic Laboratories, Mayo Clinic
Classification: Likely benign. Last evaluated: 2024-10-18. Review status: criteria provided, single submitter. Criteria: ACMG Guidelines, 2015. Collection method: clinical testing. Allele origin: germline. Observed: 7 variant alleles.
Comment: BP4, BP7

Blueprint Genetics
Classification: Likely benign. Last evaluated: 2024-08-20. Review status: criteria provided, single submitter. Criteria: ACMG Guidelines, 2015. Collection method: clinical testing. Allele origin: germline.

NM_001142864.4(PIEZO1):c.3813C>T (p.Asp1271=)

Gene: PIEZO1 (piezo type mechanosensitive ion channel component 1 (Er blood group); minus strand). Cytogenetic location: 16q24.3.
Variant type: single nucleotide variant.
Coding change: c.3813C>T on transcript NM_001142864.4 (MANE Select); coding-DNA position 3813, C replaced by T.
Protein change: p.Asp1271=; no amino-acid change (aspartic acid 1271 retained).
Molecular consequence: synonymous variant.
Genome position (GRCh38, 1-based): chr16:88,726,439, G>A on the plus strand (C>T on the coding strand, the complement: PIEZO1 is on the minus strand). VCF-style: chr16-88726439-G-A. GRCh37 (hg19) VCF-style: chr16-88792847-G-A.
Other names: p.Asp1271=.
Identifiers: ClinVar variation 723695 (VCV000723695.18), dbSNP rs116683709, ClinGen allele CA8232332.